The following is an entry in ClinVar:

NM_021625.5(TRPV4):c.1824+4C>A

Gene: TRPV4 (transient receptor potential cation channel subfamily V member 4; minus strand). Cytogenetic location: 12q24.11.
Variant type: single nucleotide variant.
Coding change: c.1824+4C>A on transcript NM_021625.5 (MANE Select); 4 bases into the intron after coding-DNA position 1824, C replaced by A.
Molecular consequence: intron variant.
Genome position (GRCh38, 1-based): chr12:109,792,648, G>T on the plus strand (C>A on the coding strand, the complement: TRPV4 is on the minus strand). VCF-style: chr12-109792648-G-T. GRCh37 (hg19) VCF-style: chr12-110230453-G-T.
Other names: c.1503+4C>A (NM_001177433.1); c.1683+4C>A (NM_001177428.1); c.1644+4C>A (NM_147204.2); c.1722+4C>A (NM_001177431.1).
Identifiers: ClinVar variation 4696265 (VCV004696265.1).

ClinVar aggregate classification (germline): Uncertain significance (1 of 4 stars; one submission).

Conditions:
Charcot-Marie-Tooth disease axonal type 2C (HMSN2C). Also called: CHARCOT-MARIE-TOOTH DISEASE, AXONAL, AUTOSOMAL DOMINANT, TYPE 2C; Charcot-Marie-Tooth Neuropathy Type 2C; Charcot-Marie-Tooth Disease Type 2, TRPV4-Related (CMT2C). Identifiers: Orphanet 99937, MedGen C1853710, MONDO:0011633, OMIM 606071.

gnomAD v4.1: 1 of 1,614,090 alleles (0.000062%); no homozygotes.

Submission:

Labcorp Genetics (formerly Invitae), Labcorp
Classification: Uncertain significance for Charcot-Marie-Tooth disease axonal type 2C. Last evaluated: 2025-02-21. Review status: criteria provided, single submitter. Criteria: Invitae Variant Classification Sherloc (09022015). Collection method: clinical testing. Allele origin: germline.
Comment: This sequence change falls in intron 11 of the TRPV4 gene. It does not directly change the encoded amino acid sequence of the TRPV4 protein. It affects a nucleotide within the consensus splice site. This variant is not present in population databases (gnomAD no frequency). This variant has not been reported in the literature in individuals affected with TRPV4-related conditions. Variants that disrupt the consensus splice site are a relatively common cause of aberrant splicing (PMID: 17576681, 9536098). Algorithms developed to predict the effect of sequence changes on RNA splicing suggest that this variant is not likely to affect RNA splicing. In summary, the available evidence is currently insufficient to determine the role of this variant in disease. Therefore, it has been classified as a Variant of Uncertain Significance.

Literature cited by the submitters: PubMed 17576681; PubMed 9536098.